The following is an entry in ClinVar:

ClinVar aggregate classification (germline): Likely pathogenic (1 of 4 stars; one submission).

Conditions:
SMO-related disorder. Also called: SMO-related condition.

Submission:

PreventionGenetics, part of Exact Sciences
Classification: Likely pathogenic for SMO-related condition. Last evaluated: 2025-11-19. Review status: criteria provided, single submitter. Criteria: ACMG Guidelines, 2015. Collection method: clinical testing. Allele origin: germline.
Comment: The SMO c.2280delT variant is predicted to result in a frameshift and premature protein termination (p.His760Glnfs*16). To our knowledge, this variant has not been reported in the literature or in a large population database (gnomAD), indicating this variant is rare. At the time of reporting this variant was not present in ClinVar. There is evidence to support loss-of-function as a mechanism of disease for autosomal recessive SMO-related conditions (Green et al. 2022. PubMed ID: 35034092, Li et al. 2020. PubMed ID: 32413283). Therefore, this variant is interpreted as likely pathogenic.

NM_005631.5(SMO):c.2280del (p.His760fs)

Gene: SMO (smoothened, frizzled class receptor; plus strand). Cytogenetic location: 7q32.1.
Variant type: Deletion.
Coding change: c.2280del on transcript NM_005631.5 (MANE Select); coding-DNA position 2280, one base deleted (T; older notation c.2280delT).
Protein change: p.His760fs; shifts the reading frame from histidine 760.
Molecular consequence: frameshift variant.
Genome position (GRCh38, 1-based): chr7:129,212,367, T deleted. VCF-style (leftmost placement, unchanged base first): chr7-129212366-AT-A. GRCh37 (hg19) VCF-style: chr7-128852207-AT-A.
Other names: short protein forms H760fs.
Identifiers: ClinVar variation 4984712 (VCV004984712.1).